The following is an entry in ClinVar:

ClinVar aggregate classification (germline): Uncertain significance (1 of 4 stars; one submission).

Allele frequency attached by ClinVar (database versions not stated): gnomAD exomes below 0.00001; ExAC 0.00001; gnomAD 0.00006 and 0.00007; ESP Exome Variant Server 0.00008; TOPMed 0.00010.
gnomAD v4.1: 27 of 1,613,910 alleles (0.0017%); highest among the groups gnomAD compares: African/African-American, 0.017%; no homozygotes.

Submission:

Labcorp Genetics (formerly Invitae), Labcorp
Classification: Uncertain significance. Last evaluated: 2022-10-13. Review status: criteria provided, single submitter. Criteria: Invitae Variant Classification Sherloc (09022015). Collection method: clinical testing. Allele origin: germline.
Comment: This sequence change replaces glutamic acid, which is acidic and polar, with lysine, which is basic and polar, at codon 426 of the CNGB1 protein (p.Glu426Lys). The frequency data for this variant in the population databases is considered unreliable, as metrics indicate poor data quality at this position in the gnomAD database. This variant has not been reported in the literature in individuals affected with CNGB1-related conditions. ClinVar contains an entry for this variant (Variation ID: 940975). Advanced modeling of protein sequence and biophysical properties (such as structural, functional, and spatial information, amino acid conservation, physicochemical variation, residue mobility, and thermodynamic stability) performed at Invitae indicates that this missense variant is not expected to disrupt CNGB1 protein function. In summary, the available evidence is currently insufficient to determine the role of this variant in disease. Therefore, it has been classified as a Variant of Uncertain Significance.

NM_001297.5(CNGB1):c.1276G>A (p.Glu426Lys)

Gene: CNGB1 (cyclic nucleotide gated channel subunit beta 1; minus strand). Cytogenetic location: 16q21.
Variant type: single nucleotide variant.
Coding change: c.1276G>A on transcript NM_001297.5 (MANE Select); coding-DNA position 1276, G replaced by A.
Protein change: p.Glu426Lys; replaces glutamic acid 426 with lysine.
Molecular consequence: missense variant.
Genome position (GRCh38, 1-based): chr16:57,939,526, C>T on the plus strand (G>A on the coding strand, the complement: CNGB1 is on the minus strand). VCF-style: chr16-57939526-C-T. GRCh37 (hg19) VCF-style: chr16-57973430-C-T.
Other names: c.1258G>A, p.Glu420Lys (NM_001286130.2); short protein forms E426K, E420K.
Identifiers: ClinVar variation 940975 (VCV000940975.7), dbSNP rs373888175, ClinGen allele CA8083485.